The following is an entry in ClinVar:

NM_172364.5(CACNA2D4):c.514_515dup (p.Asn172fs)

Gene: CACNA2D4 (calcium voltage-gated channel auxiliary subunit alpha2delta 4; minus strand). Cytogenetic location: 12p13.33.
Variant type: Duplication.
Coding change: c.514_515dup on transcript NM_172364.5 (MANE Select); coding-DNA positions 514 to 515, 2 bases duplicated (AA; older notation c.514_515dupAA).
Protein change: p.Asn172fs; shifts the reading frame from asparagine 172.
Molecular consequence: frameshift variant.
Genome position (GRCh38, 1-based): chr12:1,908,009-1,908,010, TT duplicated on the plus strand (AA on the coding strand, the reverse complement: CACNA2D4 is on the minus strand). VCF-style (leftmost placement, unchanged base first): chr12-1908008-G-GTT. GRCh37 (hg19) VCF-style: chr12-2017174-G-GTT.
Other names: short protein forms N172fs.
Identifiers: ClinVar variation 1385572 (VCV001385572.7), dbSNP rs757486215, ClinGen allele CA6387489.

ClinVar aggregate classification (germline): Conflicting classifications of pathogenicity. Review status: criteria provided, conflicting classifications (1 of 4 stars). 2 submissions from 2 submitters: Likely pathogenic (1); Uncertain significance (1). Last evaluated 2025-03-07.

Conditions:
CACNA2D4-related disorder. Also called: CACNA2D4-related condition.

Allele frequency attached by ClinVar (database versions not stated): gnomAD exomes below 0.00001 and 0.00001; ExAC 0.00002; TOPMed 0.00005; gnomAD 0.00006.

Submissions (2):

Labcorp Genetics (formerly Invitae), Labcorp
Classification: Uncertain significance. Last evaluated: 2025-03-07. Review status: criteria provided, single submitter. Criteria: Invitae Variant Classification Sherloc (09022015). Collection method: clinical testing. Allele origin: germline.
Comment: This sequence change creates a premature translational stop signal (p.Asn172Lysfs*30) in the CACNA2D4 gene. It is expected to result in an absent or disrupted protein product. However, the current clinical and genetic evidence is not sufficient to establish whether loss-of-function variants in CACNA2D4 cause disease. This variant is present in population databases (rs757486215, gnomAD 0.02%). This variant has not been reported in the literature in individuals affected with CACNA2D4-related conditions. ClinVar contains an entry for this variant (Variation ID: 1385572). In summary, the available evidence is currently insufficient to determine the role of this variant in disease. Therefore, it has been classified as a Variant of Uncertain Significance.

Blueprint Genetics
Classification: Likely pathogenic for CACNA2D4-related disorders. Last evaluated: 2022-04-05. Review status: criteria provided, single submitter. Criteria: ACMG Guidelines, 2015. Collection method: clinical testing. Allele origin: germline. Affected: yes. Observed: 1 variant allele.